The following is an entry in ClinVar:

NM_006329.4(FBLN5):c.251A>T (p.Tyr84Phe)

Gene: FBLN5 (fibulin 5; minus strand). Cytogenetic location: 14q32.12.
Variant type: single nucleotide variant.
Coding change: c.251A>T on transcript NM_006329.4 (MANE Select); coding-DNA position 251, A replaced by T.
Protein change: p.Tyr84Phe; replaces tyrosine 84 with phenylalanine.
Molecular consequence: missense variant.
Genome position (GRCh38, 1-based): chr14:91,937,075, T>A on the plus strand (A>T on the coding strand, the complement: FBLN5 is on the minus strand). VCF-style: chr14-91937075-T-A. GRCh37 (hg19) VCF-style: chr14-92403419-T-A.
Other names: c.374A>T, p.Tyr125Phe (NM_001384158.1); c.302A>T, p.Tyr101Phe (NM_001384159.1); c.251A>T, p.Tyr84Phe (NM_001384160.1); c.83A>T, p.Tyr28Phe (NM_001384161.1, NM_001384162.1); short protein forms Y101F, Y125F, Y28F, Y84F.
Identifiers: ClinVar variation 1720194 (VCV001720194.5), dbSNP rs886050889, ClinGen allele CA390639862.

ClinVar aggregate classification (germline): Uncertain significance (1 of 4 stars; one submission).

gnomAD v4.1: 1 of 1,613,392 alleles (0.000062%); highest among the groups gnomAD compares: Non-Finnish European, 0.000085%; no homozygotes.

Submission:

Labcorp Genetics (formerly Invitae), Labcorp
Classification: Uncertain significance. Last evaluated: 2022-09-23. Review status: criteria provided, single submitter. Criteria: Invitae Variant Classification Sherloc (09022015). Collection method: clinical testing. Allele origin: germline.
Comment: This sequence change replaces tyrosine, which is neutral and polar, with phenylalanine, which is neutral and non-polar, at codon 84 of the FBLN5 protein (p.Tyr84Phe). This variant is not present in population databases (gnomAD no frequency). This variant has not been reported in the literature in individuals affected with FBLN5-related conditions. Algorithms developed to predict the effect of missense changes on protein structure and function output the following: SIFT: "Tolerated"; PolyPhen-2: "Benign"; Align-GVGD: "Class C0". The phenylalanine amino acid residue is found in multiple mammalian species, which suggests that this missense change does not adversely affect protein function. In summary, the available evidence is currently insufficient to determine the role of this variant in disease. Therefore, it has been classified as a Variant of Uncertain Significance.